The following is an entry in ClinVar:

NM_005670.4(EPM2A):c.762G>A (p.Ala254=)

Gene: EPM2A (EPM2A glucan phosphatase, laforin; minus strand). Cytogenetic location: 6q24.3.
Variant type: single nucleotide variant.
Coding change: c.762G>A on transcript NM_005670.4 (MANE Select); coding-DNA position 762, G replaced by A.
Protein change: p.Ala254=; no amino-acid change (alanine 254 retained).
Molecular consequence: synonymous variant. On other transcripts: missense variant (1), non-coding transcript variant (1).
Genome position (GRCh38, 1-based): chr6:145,627,650, C>T on the plus strand (G>A on the coding strand, the complement: EPM2A is on the minus strand). VCF-style: chr6-145627650-C-T. GRCh37 (hg19) VCF-style: chr6-145948786-C-T.
Other names: p.A254A:GCG>GCA; c.762G>A, p.Ala254= (NM_001018041.2); c.520G>A, p.Ala174Thr (NM_001360057.2); c.348G>A, p.Ala116= (NM_001360064.2, NM_001360071.2, NM_001368131.1); c.300G>A, p.Ala100= (NM_001368129.2, NM_001368132.1); c.520G>A (NM_001360057.1); short protein forms A174T.
Identifiers: ClinVar variation 137218 (VCV000137218.16), dbSNP rs199586710, ClinGen allele CA290755.

ClinVar aggregate classification (germline): Benign/Likely benign. Review status: criteria provided, multiple submitters, no conflicts (2 of 4 stars). 5 submissions from 5 submitters: Benign (1); Likely benign (3). 1 of the submissions does not count toward it. Last evaluated 2025-11-05.

Conditions:
EPM2A-related disorder. Also called: EPM2A-related condition.
Inborn genetic diseases. Identifiers: MedGen C0950123, MeSH D030342.
Progressive myoclonic epilepsy. Also called: Myoclonic Epilepsies, Progressive; Myoclonus epilepsy; Progressive myoclonus epilepsy; Familial progressive myoclonic epilepsy. Identifiers: Orphanet 308, Orphanet 98261, MedGen C0751778, MONDO:0020074.

Allele frequency attached by ClinVar (database versions not stated): ExAC 0.00002; gnomAD 0.00003; gnomAD exomes 0.00004 and 0.00013; TOPMed 0.00004; ESP Exome Variant Server 0.00008.
gnomAD v4.1: 194 of 1,614,072 alleles (0.012%); highest among the groups gnomAD compares: Non-Finnish European, 0.015%; no homozygotes.

Submissions (5):

Labcorp Genetics (formerly Invitae), Labcorp
Classification: Likely benign for Progressive myoclonic epilepsy. Last evaluated: 2025-11-05. Review status: criteria provided, single submitter. Criteria: Invitae Variant Classification Sherloc (09022015). Collection method: clinical testing. Allele origin: germline.

Blueprint Genetics
Classification: Likely benign. Last evaluated: 2023-02-15. Review status: criteria provided, single submitter. Criteria: ACMG Guidelines, 2015. Collection method: clinical testing. Allele origin: germline.

Ambry Genetics
Classification: Likely benign for Inborn genetic diseases. Last evaluated: 2018-12-04. Review status: criteria provided, single submitter. Criteria: Ambry Variant Classification Scheme 2023. Collection method: clinical testing. Allele origin: germline.

GeneDx
Classification: Benign. Last evaluated: 2014-01-31. Review status: criteria provided, single submitter. Criteria: GeneDx Variant Classification (06012015). Collection method: clinical testing. Allele origin: germline. Affected: yes.
Comment: This variant is considered likely benign or benign based on one or more of the following criteria: it is a conservative change, it occurs at a poorly conserved position in the protein, it is predicted to be benign by multiple in silico algorithms, and/or has population frequency not consistent with disease.

PreventionGenetics, part of Exact Sciences
Classification: Likely benign for EPM2A-related condition. Last evaluated: 2019-04-11. Review status: no assertion criteria provided. Collection method: clinical testing. Allele origin: germline. Not counted in ClinVar's aggregate classification.
Comment: This variant is classified as likely benign based on ACMG/AMP sequence variant interpretation guidelines (Richards et al. 2015 PMID: 25741868, with internal and published modifications).